The following is an entry in ClinVar:

NM_005993.5(TBCD):c.1000C>T (p.Gln334Ter)

Gene: TBCD (tubulin folding cofactor D). Cytogenetic location: 17q25.3.
Variant type: single nucleotide variant.
Coding change: c.1000C>T on transcript NM_005993.5 (MANE Select); coding-DNA position 1000, C replaced by T.
Protein change: p.Gln334Ter; replaces glutamine 334 with a stop codon.
Molecular consequence: nonsense.
Genome position (GRCh38, 1-based): chr17:82,805,924, C>T. VCF-style: chr17-82805924-C-T. GRCh37 (hg19) VCF-style: chr17-80763800-C-T.
Other names: c.949C>T, p.Gln317Ter (NM_001411101.1); c.1000C>T, p.Gln334Ter (NM_001411102.1); short protein forms Q334*, Q317*.
Identifiers: ClinVar variation 3006326 (VCV003006326.3), dbSNP rs1293165449, ClinGen allele CA401619699.
Genomic context (GRCh38, chr17:82,805,924, plus strand): 5'-GCTTTGCACAGGTACCAGCGTGGCTGCCGATCTTTGGCTGCAAATCTGCAGCTCCTCACT[C>T]AGGGTCAGAGTGAGCAGAAGCCACTCATCCTGACCGAAGATGACGACGAAGATGACGACG-3'

ClinVar aggregate classification (germline): Pathogenic (1 of 4 stars; one submission).

Allele frequency attached by ClinVar (database versions not stated): TOPMed below 0.00001; gnomAD 0.00001.

Submission:

Labcorp Genetics (formerly Invitae), Labcorp
Classification: Pathogenic. Last evaluated: 2023-04-20. Review status: criteria provided, single submitter. Criteria: Invitae Variant Classification Sherloc (09022015). Collection method: clinical testing. Allele origin: germline.
Comment: This variant is not present in population databases (gnomAD no frequency). This variant has not been reported in the literature in individuals affected with TBCD-related conditions. For these reasons, this variant has been classified as Pathogenic. This sequence change creates a premature translational stop signal (p.Gln334*) in the TBCD gene. It is expected to result in an absent or disrupted protein product. Loss-of-function variants in TBCD are known to be pathogenic (PMID: 27666370, 27666374).

Literature cited by the submitters: PubMed 27666370; PubMed 27666374.